The following is an entry in ClinVar:

ClinVar aggregate classification (germline): Conflicting classifications of pathogenicity. Review status: criteria provided, conflicting classifications (1 of 4 stars). 4 submissions from 4 submitters: Uncertain significance (3); Likely benign (1). Last evaluated 2025-04-09.

Conditions:
Autosomal recessive limb-girdle muscular dystrophy type 2J (LGMDR10). Also called: Limb-girdle muscular dystrophy, type 2J; MUSCULAR DYSTROPHY, LIMB-GIRDLE, AUTOSOMAL RECESSIVE 10. Identifiers: Orphanet 140922, MedGen C1837342, MONDO:0012127, OMIM 608807.
Dilated cardiomyopathy 1G (CMD1G). Identifiers: Orphanet 154, MedGen C1858763, MONDO:0011400, OMIM 604145.
TTN-related disorder. Also called: TTN-related disorders; TTN-related condition; TTN-related disease.
Cardiovascular phenotype. Identifiers: MedGen CN230736.

Allele frequency attached by ClinVar (database versions not stated): ExAC 0.00001; gnomAD 0.00001; gnomAD exomes 0.00001 and 0.00002; TOPMed 0.00001.
gnomAD v4.1: 25 of 1,613,804 alleles (0.0015%); highest among the groups gnomAD compares: Middle Eastern, 0.016%; no homozygotes.

Submissions (4):

Molecular Diagnostic Laboratory for Inherited Cardiovascular Disease, Montreal Heart Institute
Classification: Likely benign. Last evaluated: 2025-04-09. Review status: criteria provided, single submitter. Criteria: ACMG Guidelines, 2015. Collection method: clinical testing. Allele origin: germline. Affected: no.

Ambry Genetics
Classification: Uncertain significance for Cardiovascular phenotype. Last evaluated: 2019-12-12. Review status: criteria provided, single submitter. Criteria: Ambry Variant Classification Scheme 2023. Collection method: clinical testing. Allele origin: germline.
Comment: The p.R21904W variant (also known as c.65710C>T), located in coding exon 166 of the TTN gene, results from a C to T substitution at nucleotide position 65710. The arginine at codon 21904 is replaced by tryptophan, an amino acid with dissimilar properties. This amino acid position is not well conserved in available vertebrate species. In addition, this alteration is predicted to be tolerated by in silico analysis. Since supporting evidence is limited at this time, the clinical significance of this alteration remains unclear.

Labcorp Genetics (formerly Invitae), Labcorp
Classification: Uncertain significance for Dilated cardiomyopathy 1G; Autosomal recessive limb-girdle muscular dystrophy type 2J. Last evaluated: 2017-10-02. Review status: criteria provided, single submitter. Criteria: Invitae Variant Classification Sherloc (09022015). Collection method: clinical testing. Allele origin: germline.

Breakthrough Genomics
Classification: Uncertain significance. Review status: criteria provided, single submitter. Criteria: ACMG Guidelines, 2015. Collection method: not provided. Allele origin: germline. Inheritance: Autosomal recessive inheritance. Affected: yes.

NM_001267550.2(TTN):c.92905C>T (p.Arg30969Trp)

Genes: TTN-AS1 (TTN antisense RNA 1; plus strand), TTN (titin; minus strand). Cytogenetic location: 2q31.2.
Variant type: single nucleotide variant.
Coding change: c.92905C>T on transcript NM_001267550.2 (MANE Select); coding-DNA position 92905, C replaced by T.
Protein change: p.Arg30969Trp; replaces arginine 30969 with tryptophan.
Molecular consequence: missense variant.
Genome position (GRCh38, 1-based): chr2:178,548,721, G>A on the plus strand (C>T on the coding strand, the complement: TTN is on the minus strand). VCF-style: chr2-178548721-G-A. GRCh37 (hg19) VCF-style: chr2-179413448-G-A.
Other names: c.87982C>T, p.Arg29328Trp (NM_001256850.1); c.65710C>T, p.Arg21904Trp (NM_003319.4); c.85201C>T, p.Arg28401Trp (NM_133378.4); c.66085C>T, p.Arg22029Trp (NM_133432.3); c.66286C>T, p.Arg22096Trp (NM_133437.4); short protein forms R30969W, R28401W, R29328W, R21904W, R22029W, R22096W.
Identifiers: ClinVar variation 535689 (VCV000535689.9), dbSNP rs754767262, ClinGen allele CA1987388.
Genomic context (GRCh38, chr2:178,548,721, plus strand): 5'-TTCTGTTGCAGTTTTCCACAGTGAGGGTGCTGAAGGAATCTGTTGTATGGATATCAGCCC[G>A]AAGGCTAAGGTTAGAGTCTGGTTTGCTCCACACAGCTGTAGGAGTAGGTCTACCTTGGTA-3'
Protein context (NP_001254479.2, residues 30959-30979): WSKPDSNLSL[Arg30969Trp]ADIHTTDSFS